The following is an entry in ClinVar:

NM_004341.5(CAD):c.5979C>T (p.Ser1993=)

Gene: CAD (carbamoyl-phosphate synthetase 2, aspartate transcarbamylase, and dihydroorotase; plus strand). Cytogenetic location: 2p23.3.
Variant type: single nucleotide variant.
Coding change: c.5979C>T on transcript NM_004341.5 (MANE Select); coding-DNA position 5979, C replaced by T.
Protein change: p.Ser1993=; no amino-acid change (serine 1993 retained).
Molecular consequence: synonymous variant.
Genome position (GRCh38, 1-based): chr2:27,242,006, C>T. VCF-style: chr2-27242006-C-T. GRCh37 (hg19) VCF-style: chr2-27464874-C-T.
Other names: c.5790C>T, p.Ser1930= (NM_001306079.2).
Identifiers: ClinVar variation 736022 (VCV000736022.9), dbSNP rs1410568568, ClinGen allele CA425600221.

ClinVar aggregate classification (germline): Likely benign. Review status: criteria provided, single submitter (1 of 4 stars). 2 submissions from 2 submitters: Likely benign (1). 1 of the submissions does not count toward it. Last evaluated 2024-07-31.

Conditions:
CAD-related disorder. Also called: CAD-related condition.

Allele frequency attached by ClinVar (database versions not stated): gnomAD 0.00001; gnomAD exomes 0.00001; TOPMed 0.00001.
gnomAD v4.1: 16 of 1,613,202 alleles (0.00099%); highest among the groups gnomAD compares: Non-Finnish European, 0.0011%; no homozygotes.

Submissions (2):

Labcorp Genetics (formerly Invitae), Labcorp
Classification: Likely benign. Last evaluated: 2024-07-31. Review status: criteria provided, single submitter. Criteria: Invitae Variant Classification Sherloc (09022015). Collection method: clinical testing. Allele origin: germline.

PreventionGenetics, part of Exact Sciences
Classification: Likely benign for CAD-related condition. Last evaluated: 2019-03-20. Review status: no assertion criteria provided. Collection method: clinical testing. Allele origin: germline. Not counted in ClinVar's aggregate classification.
Comment: This variant is classified as likely benign based on ACMG/AMP sequence variant interpretation guidelines (Richards et al. 2015 PMID: 25741868, with internal and published modifications).